The following is an entry in ClinVar:

NM_152594.3(SPRED1):c.668T>A (p.Leu223Gln)

Gene: SPRED1 (sprouty related EVH1 domain containing 1; plus strand). Cytogenetic location: 15q14.
Variant type: single nucleotide variant.
Coding change: c.668T>A on transcript NM_152594.3 (MANE Select); coding-DNA position 668, T replaced by A.
Protein change: p.Leu223Gln; replaces leucine 223 with glutamine.
Molecular consequence: missense variant.
Genome position (GRCh38, 1-based): chr15:38,349,507, T>A. VCF-style: chr15-38349507-T-A. GRCh37 (hg19) VCF-style: chr15-38641708-T-A.
Other names: short protein forms L223Q.
Identifiers: ClinVar variation 1754908 (VCV001754908.6), dbSNP rs990641041, ClinGen allele CA269293279.

ClinVar aggregate classification (germline): Uncertain significance. Review status: criteria provided, multiple submitters, no conflicts (2 of 4 stars). 2 submissions from 2 submitters: Uncertain significance (2). Last evaluated 2025-01-20.

Conditions:
Legius syndrome. Identifiers: Orphanet 137605, MedGen C1969623, MONDO:0012669, OMIM 611431. Disease mechanism: loss of function.
Cardiovascular phenotype. Identifiers: MedGen CN230736.

Allele frequency attached by ClinVar (database versions not stated): gnomAD 0.00001; TOPMed 0.00001.
gnomAD v4.1: 1 of 1,610,754 alleles (0.000062%); highest among the groups gnomAD compares: Non-Finnish European, 0.000085%; no homozygotes.

Submissions (2):

Ambry Genetics
Classification: Uncertain significance for Cardiovascular phenotype. Last evaluated: 2025-01-20. Review status: criteria provided, single submitter. Criteria: Ambry Variant Classification Scheme 2023. Collection method: clinical testing. Allele origin: germline.
Comment: The p.L223Q variant (also known as c.668T>A), located in coding exon 6 of the SPRED1 gene, results from a T to A substitution at nucleotide position 668. The leucine at codon 223 is replaced by glutamine, an amino acid with dissimilar properties. This amino acid position is conserved. In addition, this alteration is predicted to be tolerated by in silico analysis. Since supporting evidence is limited at this time, the clinical significance of this alteration remains unclear.

Labcorp Genetics (formerly Invitae), Labcorp
Classification: Uncertain significance for Legius syndrome. Last evaluated: 2023-08-27. Review status: criteria provided, single submitter. Criteria: Invitae Variant Classification Sherloc (09022015). Collection method: clinical testing. Allele origin: germline.
Comment: In summary, the available evidence is currently insufficient to determine the role of this variant in disease. Therefore, it has been classified as a Variant of Uncertain Significance. Advanced modeling of protein sequence and biophysical properties (such as structural, functional, and spatial information, amino acid conservation, physicochemical variation, residue mobility, and thermodynamic stability) performed at Invitae indicates that this missense variant is not expected to disrupt SPRED1 protein function. ClinVar contains an entry for this variant (Variation ID: 1754908). This variant has not been reported in the literature in individuals affected with SPRED1-related conditions. This variant is not present in population databases (gnomAD no frequency). This sequence change replaces leucine, which is neutral and non-polar, with glutamine, which is neutral and polar, at codon 223 of the SPRED1 protein (p.Leu223Gln).